The following is an entry in ClinVar:

NM_174916.3(UBR1):c.243A>G (p.Glu81=)

Gene: UBR1 (ubiquitin protein ligase E3 component n-recognin 1; minus strand). Cytogenetic location: 15q15.2.
Variant type: single nucleotide variant.
Coding change: c.243A>G on transcript NM_174916.3 (MANE Select); coding-DNA position 243, A replaced by G.
Protein change: p.Glu81=; no amino-acid change (glutamic acid 81 retained).
Molecular consequence: synonymous variant.
Genome position (GRCh38, 1-based): chr15:43,086,079, T>C on the plus strand (A>G on the coding strand, the complement: UBR1 is on the minus strand). VCF-style: chr15-43086079-T-C. GRCh37 (hg19) VCF-style: chr15-43378277-T-C.
Identifiers: ClinVar variation 784320 (VCV000784320.34), dbSNP rs79304860, ClinGen allele CA7519066.

ClinVar aggregate classification (germline): Benign/Likely benign. Review status: criteria provided, multiple submitters, no conflicts (2 of 4 stars). 4 submissions from 4 submitters: Benign (1); Likely benign (2). 1 of the submissions does not count toward it. Last evaluated 2026-06-01.

Conditions:
UBR1-related disorder. Also called: UBR1-related condition.

Allele frequency attached by ClinVar (database versions not stated): gnomAD exomes 0.00076; ExAC 0.00094; 1000 Genomes Project 30x 0.00203; 1000 Genomes Project 0.00220; gnomAD 0.00323 and 0.00351; ESP Exome Variant Server 0.00338; TOPMed 0.00367.
gnomAD v4.1: 925 of 1,614,126 alleles (0.057%); highest among the groups gnomAD compares: African/African-American, 1.1%; 1 homozygote.

Submissions (4):

CeGaT Center for Human Genetics Tuebingen
Classification: Likely benign. Last evaluated: 2026-06-01. Review status: criteria provided, single submitter. Criteria: CeGaT Center For Human Genetics Tuebingen Variant Classification Criteria Version 2. Collection method: clinical testing. Allele origin: germline. Affected: yes. Observed: 3 variant alleles.
Comment: UBR1: BP4, BP7, BS1

Labcorp Genetics (formerly Invitae), Labcorp
Classification: Benign. Last evaluated: 2026-02-02. Review status: criteria provided, single submitter. Criteria: Invitae Variant Classification Sherloc (09022015). Collection method: clinical testing. Allele origin: germline.

Blueprint Genetics
Classification: Likely benign. Last evaluated: 2024-08-21. Review status: criteria provided, single submitter. Criteria: ACMG Guidelines, 2015. Collection method: clinical testing. Allele origin: germline.

PreventionGenetics, part of Exact Sciences
Classification: Likely benign for UBR1-related condition. Last evaluated: 2019-06-11. Review status: no assertion criteria provided. Collection method: clinical testing. Allele origin: germline. Not counted in ClinVar's aggregate classification.
Comment: This variant is classified as likely benign based on ACMG/AMP sequence variant interpretation guidelines (Richards et al. 2015 PMID: 25741868, with internal and published modifications).